The following is an entry in ClinVar:

ClinVar aggregate classification (germline): Uncertain significance (1 of 4 stars; one submission).

Conditions:
Shwachman-Diamond syndrome 2. Identifiers: MedGen C4693704, MONDO:0044205, OMIM 617941.

Submission:

Baylor Genetics
Classification: Uncertain significance for Shwachman-Diamond syndrome 2. Last evaluated: 2018-07-16. Review status: criteria provided, single submitter. Criteria: ACMG Guidelines, 2015. Collection method: clinical testing. Allele origin: paternal. Affected: yes.
Comment: This variant was determined to be of uncertain significance according to ACMG Guidelines, 2015 [PMID:25741868].

NM_024580.6(EFL1):c.1492G>A (p.Glu498Lys)

Gene: EFL1 (elongation factor like GTPase 1; minus strand). Cytogenetic location: 15q25.2.
Variant type: single nucleotide variant.
Coding change: c.1492G>A on transcript NM_024580.6 (MANE Select); coding-DNA position 1492, G replaced by A.
Protein change: p.Glu498Lys; replaces glutamic acid 498 with lysine.
Molecular consequence: missense variant. On other transcripts: non-coding transcript variant (1).
Genome position (GRCh38, 1-based): chr15:82,219,771, C>T on the plus strand (G>A on the coding strand, the complement: EFL1 is on the minus strand). VCF-style: chr15-82219771-C-T. GRCh37 (hg19) VCF-style: chr15-82512112-C-T.
Other names: c.1339G>A, p.Glu447Lys (NM_001040610.3); c.703G>A, p.Glu235Lys (NM_001322844.2); c.1492G>A, p.Glu498Lys (NM_001322845.2); short protein forms E498K, E235K, E447K.
Identifiers: ClinVar variation 1031379 (VCV001031379.1), dbSNP rs2074689405, ClinGen allele CA393284497.